The following is an entry in ClinVar:

ClinVar aggregate classification (germline): Likely benign. Review status: criteria provided, multiple submitters, no conflicts (2 of 4 stars). 3 submissions from 3 submitters: Likely benign (2). 1 of the submissions does not count toward it. Last evaluated 2025-11-03.

Conditions:
AGK-related disorder. Also called: AGK-related disorders; AGK-related condition. Identifiers: MedGen CN239194.
Sengers syndrome. Also called: MITOCHONDRIAL DNA DEPLETION SYNDROME 10 (CARDIOMYOPATHIC TYPE); Cardiomyopathy and cataract. Identifiers: Orphanet 1369, MedGen C1859317, MONDO:0008922, OMIM 212350.
Cataract 38. Also called: Cataract, autosomal recessive congenital 5; Cataract 38, autosomal recessive. Identifiers: Orphanet 91492, MedGen C3553494, MONDO:0013859, OMIM 614691.

Submissions (3):

Labcorp Genetics (formerly Invitae), Labcorp
Classification: Likely benign for Sengers syndrome; Cataract 38. Last evaluated: 2025-11-03. Review status: criteria provided, single submitter. Criteria: Invitae Variant Classification Sherloc (09022015). Collection method: clinical testing. Allele origin: germline.

GeneDx
Classification: Likely benign. Last evaluated: 2019-11-01. Review status: criteria provided, single submitter. Criteria: GeneDx Variant Classification Process June 2021. Collection method: clinical testing. Allele origin: germline. Affected: yes.

PreventionGenetics, part of Exact Sciences
Classification: Likely benign for AGK-related condition. Last evaluated: 2020-08-11. Review status: no assertion criteria provided. Collection method: clinical testing. Allele origin: germline. Not counted in ClinVar's aggregate classification.
Comment: This variant is classified as likely benign based on ACMG/AMP sequence variant interpretation guidelines (Richards et al. 2015 PMID: 25741868, with internal and published modifications).

NM_018238.4(AGK):c.519-4_519-3del

Gene: AGK (acylglycerol kinase; plus strand). Cytogenetic location: 7q34.
Variant type: Deletion.
Coding change: c.519-4_519-3del on transcript NM_018238.4 (MANE Select); 4 bases into the intron before coding-DNA position 519 through 3 bases into the intron before coding-DNA position 519, 2 bases deleted (TT; older notation c.519-4_519-3delTT).
Molecular consequence: intron variant.
Genome position (GRCh38, 1-based): chr7:141,621,728-141,621,729, TT deleted; deleting any 2 consecutive bases within chr7:141,621,726-141,621,729 gives the same sequence; the c. name uses the placement nearest the transcript's 3' end. VCF-style (leftmost placement, unchanged base first): chr7-141621725-CTT-C. GRCh37 (hg19) VCF-style: chr7-141321525-CTT-C.
Other names: c.519-4_519-3del (NM_001364948.3).
Identifiers: ClinVar variation 798166 (VCV000798166.13), dbSNP rs770005760, ClinGen allele CA4517490.